The following is an entry in ClinVar:

ClinVar aggregate classification (germline): Uncertain significance (1 of 4 stars; one submission).

Conditions:
Hereditary breast ovarian cancer syndrome. Also called: Hereditary breast and ovarian cancer syndrome; Hereditary breast and ovarian cancer; Hereditary breast and ovarian cancer syndrome (HBOC); BRCA1- and BRCA2-Associated Hereditary Breast and Ovarian Cancer; Hereditary breast and/or ovarian cancer syndrome; Breast and ovarian cancer. Identifiers: Orphanet 145, MedGen C0677776, MeSH D061325, MONDO:0003582. Disease mechanism: loss of function.

Submission:

Labcorp Genetics (formerly Invitae), Labcorp
Classification: Uncertain significance for Hereditary breast ovarian cancer syndrome. Last evaluated: 2020-01-13. Review status: criteria provided, single submitter. Criteria: Invitae Variant Classification Sherloc (09022015). Collection method: clinical testing. Allele origin: germline.
Comment: This sequence change replaces valine with glycine at codon 2908 of the BRCA2 protein (p.Val2908Gly). The valine residue is moderately conserved and there is a moderate physicochemical difference between valine and glycine. This variant is not present in population databases (ExAC no frequency). This variant has not been reported in the literature in individuals with BRCA2-related conditions. This missense change has been reported not to substantially affect BRCA2 protein function (PMID: 15695382, 18451181, 23108138). Algorithms developed to predict the effect of sequence changes on RNA splicing suggest that this variant may create or strengthen a splice site, but this prediction has not been confirmed by published transcriptional studies. In summary, the available evidence is currently insufficient to determine the role of this variant in disease. Therefore, it has been classified as a Variant of Uncertain Significance.

Literature cited by the submitters: PubMed 15695382; PubMed 18451181; PubMed 23108138.

NM_000059.4(BRCA2):c.8723_8724delinsGT (p.Val2908Gly)

Gene: BRCA2 (BRCA2 DNA repair associated; plus strand). Cytogenetic location: 13q13.1.
Variant type: Indel.
Coding change: c.8723_8724delinsGT on transcript NM_000059.4 (MANE Select); coding-DNA positions 8723 to 8724, TG replaced by GT.
Protein change: p.Val2908Gly; replaces valine 2908 with glycine.
Molecular consequence: missense variant.
Genome position (GRCh38, 1-based): chr13:32,376,760-32,376,761, TG replaced by GT. VCF-style: chr13-32376760-TG-GT. GRCh37 (hg19) VCF-style: chr13-32950897-TG-GT.
Other names: short protein forms V2908G.
Identifiers: ClinVar variation 1051066 (VCV001051066.7), dbSNP rs2137613269, ClinGen allele CA2499222339.
Genomic context (GRCh38, chr13:32,376,760, plus strand): 5'-GTGCACTAACAAGACAGCAAGTTCGTGCTTTGCAAGATGGTGCAGAGCTTTATGAAGCAG[TG>GT]AAGAATGCAGCAGACCCAGCTTACCTTGAGGTGAGAGAGTAAGAGGACATATAATGAGGC-3'
Protein context (NP_000050.3, residues 2898-2918): LQDGAELYEA[Val2908Gly]KNAADPAYLE